The following is an entry in ClinVar:

NM_000059.4(BRCA2):c.9266C>G (p.Pro3089Arg)

Gene: BRCA2 (BRCA2 DNA repair associated; plus strand). Cytogenetic location: 13q13.1.
Variant type: single nucleotide variant.
Coding change: c.9266C>G on transcript NM_000059.4 (MANE Select); coding-DNA position 9266, C replaced by G.
Protein change: p.Pro3089Arg; replaces proline 3089 with arginine.
Molecular consequence: missense variant. On other transcripts: non-coding transcript variant (1).
Genome position (GRCh38, 1-based): chr13:32,394,698, C>G. VCF-style: chr13-32394698-C-G. GRCh37 (hg19) VCF-style: chr13-32968835-C-G.
Other names: c.9170C>G, p.Pro3057Arg (NM_001406719.1); c.9215C>G, p.Pro3072Arg (NM_001406720.1); c.4334C>G, p.Pro1445Arg (NM_001406721.1); c.2849C>G, p.Pro950Arg (NM_001406722.1); c.9266C>G, p.Pro3089Arg (NM_001432077.1); short protein forms P3072R, P1445R, P3089R, P3057R, P950R.
Identifiers: ClinVar variation 4215724 (VCV004215724.1).

ClinVar aggregate classification (germline): Uncertain significance (1 of 4 stars; one submission).

Conditions:
Hereditary cancer-predisposing syndrome. Also called: Hereditary Cancer Syndrome; Hereditary neoplastic syndrome; Neoplastic Syndromes, Hereditary; Tumor predisposition. Identifiers: Orphanet 140162, MedGen C0027672, MeSH D009386, MONDO:0015356.

Submission:

Ambry Genetics
Classification: Uncertain significance for Hereditary cancer-predisposing syndrome. Last evaluated: 2025-06-24. Review status: criteria provided, single submitter. Criteria: Ambry Variant Classification Scheme 2023. Collection method: clinical testing. Allele origin: germline.
Comment: The p.P3089R variant (also known as c.9266C>G), located in coding exon 24 of the BRCA2 gene, results from a C to G substitution at nucleotide position 9266. The proline at codon 3089 is replaced by arginine, an amino acid with dissimilar properties. This amino acid position is conserved. In addition, the in silico prediction for this alteration is inconclusive. Based on the available evidence, the clinical significance of this variant remains unclear.